The following is an entry in ClinVar:

NM_000280.4(PAX6):c.*3202G>A

Genes: ELP4 (elongator acetyltransferase complex subunit 4; plus strand), PAX6 (paired box 6; minus strand). Cytogenetic location: 11p13.
Variant type: single nucleotide variant.
Coding change: c.*3202G>A on transcript NM_000280.4; 3202 bases downstream of the stop codon, G replaced by A.
Molecular consequence: 3 prime UTR variant (on NM_019040.5).
Genome position (GRCh38, 1-based): chr11:31,786,732, C>T on the plus strand (G>A on the coding strand, the complement: PAX6 is on the minus strand). VCF-style: chr11-31786732-C-T. GRCh37 (hg19) VCF-style: chr11-31808280-C-T.
Other names: c.*3194C>T (NM_001288725.2); c.*3303C>T (NM_001288726.2); c.*3208C>T (NM_019040.5).
Identifiers: ClinVar variation 304310 (VCV000304310.10), dbSNP rs608293, ClinGen allele CA10638899.

ClinVar aggregate classification (germline): Benign. Review status: criteria provided, multiple submitters, no conflicts (2 of 4 stars). 8 submissions from 3 submitters: Benign (8). Last evaluated 2021-05-13.

Conditions:
Anophthalmia-microphthalmia syndrome. Also called: Anophthalmia/Microphthalmia; Anophthalmia - microphthalmia. Identifiers: Orphanet 98555, MedGen C5680330, MONDO:0020147.
11p partial monosomy syndrome (WAGR). Also called: WAGR Spectrum Disorder; WAGR syndrome; WAGR Complex; CHROMOSOME 11p13 DELETION SYNDROME. Identifiers: Orphanet 893, MedGen C0206115, MONDO:0008681, OMIM 194072.
Foveal hypoplasia 1. Also called: FOVEAL HYPOPLASIA 1 WITH OR WITHOUT ANTERIOR SEGMENT ANOMALIES AND/OR CATARACT; FOVEAL HYPOPLASIA 1 WITH ANTERIOR SEGMENT ANOMALIES. Identifiers: Orphanet 2253, MedGen C3805604, MONDO:0007628, OMIM 136520.
Autosomal dominant keratitis. Also called: Keratitis, hereditary. Identifiers: Orphanet 2334, MedGen C1835698, MONDO:0007848, OMIM 148190.
Aniridia 1 (AN1). Identifiers: Orphanet 250923, MedGen C0344542, MONDO:0024507, OMIM 106210.
carboxymethyl-dextran-A2-gadolinium-DOTA.

Allele frequency attached by ClinVar (database versions not stated): gnomAD exomes 0.82554; gnomAD 0.87531 and 0.88020; 1000 Genomes Project 0.84984; TOPMed 0.87839; 1000 Genomes Project 30x 0.85509.
gnomAD v4.1: 192,969 of 224,348 alleles (86%); highest among the groups gnomAD compares: African/African-American, 96%; 83,607 homozygotes.

Submissions (8):

GeneDx
Classification: Benign. Last evaluated: 2021-05-13. Review status: criteria provided, single submitter. Criteria: GeneDx Variant Classification (06012015). Collection method: clinical testing. Allele origin: germline. Affected: yes.

Illumina Laboratory Services, Illumina
Classification: Benign for Autosomal dominant keratitis. Last evaluated: 2018-01-13. Review status: criteria provided, single submitter. Criteria: ICSL Variant Classification Criteria 13 December 2019. Collection method: clinical testing. Allele origin: germline.
Comment: This variant was observed in the ICSL laboratory as part of a predisposition screen in an ostensibly healthy population. It had not been previously curated by ICSL or reported in the Human Gene Mutation Database (HGMD: prior to June 1st, 2018), and was therefore a candidate for classification through an automated scoring system. Utilizing variant allele frequency, disease prevalence and penetrance estimates, and inheritance mode, an automated score was calculated to assess if this variant is too frequent to cause the disease. Based on the score and internal cut-off values, a variant classified as benign is not then subjected to further curation. The score for this variant resulted in a classification of benign for this disease.

Illumina Laboratory Services, Illumina
Classification: Benign for carboxymethyl-dextran-A2-gadolinium-DOTA. Last evaluated: 2018-01-13. Review status: criteria provided, single submitter. Criteria: ICSL Variant Classification Criteria 13 December 2019. Collection method: clinical testing. Allele origin: germline.
Comment: the same text as in the submission from Illumina Laboratory Services, Illumina above.

Illumina Laboratory Services, Illumina
Classification: Benign for Anophthalmia-microphthalmia syndrome. Last evaluated: 2018-01-13. Review status: criteria provided, single submitter. Criteria: ICSL Variant Classification Criteria 13 December 2019. Collection method: clinical testing. Allele origin: germline.
Comment: the same text as in the submission from Illumina Laboratory Services, Illumina above.

Illumina Laboratory Services, Illumina
Classification: Benign for Wilms tumor, aniridia, genitourinary anomalies, and mental retardation syndrome. Last evaluated: 2018-01-13. Review status: criteria provided, single submitter. Criteria: ICSL Variant Classification Criteria 13 December 2019. Collection method: clinical testing. Allele origin: germline.
Comment: the same text as in the submission from Illumina Laboratory Services, Illumina above.

Illumina Laboratory Services, Illumina
Classification: Benign for Aniridia 1. Last evaluated: 2018-01-13. Review status: criteria provided, single submitter. Criteria: ICSL Variant Classification Criteria 13 December 2019. Collection method: clinical testing. Allele origin: germline.
Comment: the same text as in the submission from Illumina Laboratory Services, Illumina above.

Illumina Laboratory Services, Illumina
Classification: Benign for Foveal hypoplasia 1. Last evaluated: 2018-01-13. Review status: criteria provided, single submitter. Criteria: ICSL Variant Classification Criteria 13 December 2019. Collection method: clinical testing. Allele origin: germline.
Comment: the same text as in the submission from Illumina Laboratory Services, Illumina above.

Breakthrough Genomics
Classification: Benign. Review status: criteria provided, single submitter. Criteria: ACMG Guidelines, 2015. Collection method: not provided. Allele origin: germline. Inheritance: Autosomal dominant inheritance. Affected: yes.